The following is an entry in ClinVar:

NM_004456.5(EZH2):c.2196-61_2196-57dup

Gene: EZH2 (enhancer of zeste 2 polycomb repressive complex 2 subunit; minus strand). Cytogenetic location: 7q36.1.
Variant type: Duplication.
Coding change: c.2196-61_2196-57dup on transcript NM_004456.5 (MANE Select); 61 bases into the intron before coding-DNA position 2196 through 57 bases into the intron before coding-DNA position 2196, 5 bases duplicated (AAGTC; older notation c.2196-61_2196-57dupAAGTC).
Molecular consequence: intron variant.
Genome position (GRCh38, 1-based): chr7:148,807,763-148,807,767, GACTT duplicated on the plus strand (AAGTC on the coding strand, the reverse complement: EZH2 is on the minus strand). VCF-style (leftmost placement, unchanged base first): chr7-148807762-A-AGACTT. GRCh37 (hg19) VCF-style: chr7-148504854-A-AGACTT.
Other names: c.2196-57_2196-56insAAGTC (NM_004456.4); c.2154-61_2154-57dup (NM_001203248.2); c.2064-61_2064-57dup (NM_152998.3); c.2181-61_2181-57dup (NM_001203247.2); c.2028-61_2028-57dup (NM_001203249.2).
Identifiers: ClinVar variation 680130 (VCV000680130.1), dbSNP rs560966145, ClinGen allele CA168905743.

ClinVar aggregate classification (germline): Benign (1 of 4 stars; one submission).

Allele frequency attached by ClinVar (database versions not stated): gnomAD 0.64914; 1000 Genomes Project 0.69489; 1000 Genomes Project 30x 0.69597.

Submission:

GeneDx
Classification: Benign. Last evaluated: 2018-06-19. Review status: criteria provided, single submitter. Criteria: GeneDx Variant Classification (06012015). Collection method: clinical testing. Allele origin: germline. Affected: yes.
Comment: This variant is considered likely benign or benign based on one or more of the following criteria: it is a conservative change, it occurs at a poorly conserved position in the protein, it is predicted to be benign by multiple in silico algorithms, and/or has population frequency not consistent with disease.